The following is an entry in ClinVar:

NM_025114.4(CEP290):c.5493del (p.Ala1832fs)

Gene: CEP290 (centrosomal protein 290; minus strand). Cytogenetic location: 12q21.32.
Variant type: Deletion.
Coding change: c.5493del on transcript NM_025114.4 (MANE Select); coding-DNA position 5493, one base deleted (A; older notation c.5493delA).
Protein change: p.Ala1832fs; shifts the reading frame from alanine 1832.
Molecular consequence: frameshift variant.
Genome position (GRCh38, 1-based): chr12:88,077,790, T deleted on the plus strand (A on the coding strand, the reverse complement: CEP290 is on the minus strand); the first of 5 consecutive T bases (chr12:88,077,790-88,077,794); deleting any one gives the same sequence. VCF-style (leftmost placement, unchanged base first): chr12-88077789-CT-C. GRCh37 (hg19) VCF-style: chr12-88471566-CT-C.
Other names: c.5493delA (NM_025114.3, NM_025114.4); short protein forms A1832fs.
Identifiers: ClinVar variation 56739 (VCV000056739.63), dbSNP rs386834158, ClinGen allele CA144397.

ClinVar aggregate classification (germline): Pathogenic. Review status: criteria provided, multiple submitters, no conflicts (2 of 4 stars). 21 submissions from 19 submitters: Pathogenic (17). 4 of the submissions do not count toward it. Last evaluated 2026-01-14.

Conditions:
CEP290-related disorder. Also called: CEP290-related condition; CEP290-related disorders. Identifiers: MedGen CN239314.
Senior-Loken syndrome 6 (SLSN6). Identifiers: Orphanet 3156, MedGen C1857779, MONDO:0012433, OMIM 610189.
Leber congenital amaurosis 10 (LCA10). Identifiers: Orphanet 65, MedGen C1857821, MONDO:0012723, OMIM 611755.
Meckel syndrome, type 4 (MKS4). Also called: MECKEL-GRUBER SYNDROME, TYPE 4. Identifiers: Orphanet 564, MedGen C1970161, MONDO:0012626, OMIM 611134.
Joubert syndrome 5 (JBTS5). Identifiers: Orphanet 2318, MedGen C1857780, MONDO:0012432, OMIM 610188.
Meckel-Gruber syndrome. Also called: DYSENCEPHALIA SPLANCHNOCYSTICA; GRUBER SYNDROME; Dysencephalia splachnocystica. Identifiers: Orphanet 564, MedGen C0265215, MONDO:0018921.
Joubert syndrome. Also called: JOUBERT-BOLTSHAUSER SYNDROME; Familial aplasia of the vermis. Identifiers: Orphanet 475, MedGen C5979921, MONDO:0018772.
Nephronophthisis. Also called: Juvenile Nephronophthisis. Identifiers: Orphanet 655, MedGen C0687120, MONDO:0019005, HP:0000090.
Retinal dystrophy. Also called: Inherited retinal dystrophy. Identifiers: Orphanet 71862, MedGen C0854723, MeSH D058499, MONDO:0019118, HP:0000556.
Leber congenital amaurosis (LCA). Also called: Leber's amaurosis. Identifiers: Orphanet 65, MedGen C0339527, MeSH D057130, MONDO:0018998.
Bardet-Biedl syndrome 14 (BBS14). Identifiers: Orphanet 110, MedGen C2673874, MONDO:0014442, OMIM 615991.
Polycystic kidney disease. Also called: Kidney, Polycystic; Polycystic kidney dysplasia. Identifiers: MedGen C0022680, MeSH D007690, MONDO:0020642, HP:0000113.
Hyperechogenic kidneys. Also called: echogenic kidneys. Identifiers: MedGen C3275899, HP:0004719.
Cerebellar cyst. Identifiers: MedGen C1847762, HP:0002350.
Cerebellar vermis hypoplasia. Identifiers: MedGen C1840379, HP:0001320.
Abnormality of the kidney. Also called: Congenital anomaly of the kidney; Congenital abnormalities of the kidney. Identifiers: MedGen C0266292, HP:0000077.

Submissions 1 to 15 of 21:

Labcorp Genetics (formerly Invitae), Labcorp
Classification: Pathogenic for Joubert syndrome; Meckel-Gruber syndrome; Nephronophthisis. Last evaluated: 2026-01-14. Review status: criteria provided, single submitter. Criteria: Invitae Variant Classification Sherloc (09022015). Collection method: clinical testing. Allele origin: germline.
Comment: This sequence change creates a premature translational stop signal (p.Ala1832Profs*19) in the CEP290 gene. It is expected to result in an absent or disrupted protein product. Loss-of-function variants in CEP290 are known to be pathogenic (PMID: 16909394, 17345604, 20690115). The frequency data for this variant in the population databases is considered unreliable, as metrics indicate poor data quality at this position in the gnomAD database. This premature translational stop signal has been observed in individuals with Leber congenital amaurosis and/or Meckel-Gruber syndrome (PMID: 17705300, 20683928, 21245082). This variant is also known as 5489_5493delA, c.5489del and p.Gln1830fs. ClinVar contains an entry for this variant (Variation ID: 56739). For these reasons, this variant has been classified as Pathogenic.

CeGaT Center for Human Genetics Tuebingen
Classification: Pathogenic. Last evaluated: 2025-12-01. Review status: criteria provided, single submitter. Criteria: CeGaT Center For Human Genetics Tuebingen Variant Classification Criteria Version 2. Collection method: clinical testing. Allele origin: germline. Affected: yes. Observed: 8 variant alleles.
Comment: CEP290: PVS1, PM2, PM3

Natera, Inc.
Classification: Pathogenic for Leber congenital amaurosis. Last evaluated: 2025-05-30. Review status: criteria provided, single submitter. Criteria: Natera Variant Classification Schema (03/2026). Collection method: clinical testing. Allele origin: germline.
Comment: The c.5493delA variant in CEP290 is a frameshift variant predicted to shift the reading frame beginning at codon 1832 and leads to a stop codon 19 codons downstream. This variant is expected to result in nonsense mediated decay, truncation, or a dysfunctional protein product. This variant is rare in the general population with a frequency below the threshold expected for the associated phenotype(s). This variant has been observed in one or more individuals affected with the associated recessive disease, as either homozygous or compound heterozygous with a second variant (PMID: 21153841). Given the available evidence, this variant is classified as Pathogenic.

Blueprint Genetics
Classification: Pathogenic for CEP290-related disorders. Last evaluated: 2024-11-20. Review status: criteria provided, single submitter. Criteria: ACMG Guidelines, 2015. Collection method: clinical testing. Allele origin: germline. Affected: yes. Observed: 5 variant alleles.

GeneDx
Classification: Pathogenic. Last evaluated: 2024-09-20. Review status: criteria provided, single submitter. Criteria: GeneDx Variant Classification Process June 2021. Collection method: clinical testing. Allele origin: germline. Affected: yes.
Comment: Reported previously in association with CEP290-related disorders (PMID: 21245082, 19466712, 19764032); Frameshift variant predicted to result in protein truncation or nonsense mediated decay in a gene for which loss of function is a known mechanism of disease; Not observed at significant frequency in large population cohorts (gnomAD); This variant is associated with the following publications: (PMID: 34196655, 32531858, 34906470, 17564967, 17705300, 19466712, 19764032, 28041643, 31734136, 32581362, 31589614, 34426522, 35906228, 21245082, 36803942, 37224330)

Baylor Genetics
Classification: Pathogenic for Bardet-Biedl syndrome 14. Last evaluated: 2024-02-29. Review status: criteria provided, single submitter. Criteria: ACMG Guidelines, 2015. Collection method: clinical testing. Allele origin: unknown.

Clinical Genetics Laboratory, Skane University Hospital Lund
Classification: Pathogenic. Last evaluated: 2022-08-05. Review status: criteria provided, single submitter. Criteria: ACMG Guidelines, 2015. Collection method: clinical testing. Allele origin: germline. Affected: yes.

Baylor Genetics
Classification: Pathogenic for CEP290-related disorders. Last evaluated: 2022-05-13. Review status: criteria provided, single submitter. Criteria: ACMG Guidelines, 2015. Collection method: clinical testing. Allele origin: unknown.

New York Genome Center
Classification: Pathogenic for Leber congenital amaurosis 10; Senior-Loken syndrome 6; Meckel syndrome, type 4; Joubert syndrome 5. Last evaluated: 2021-10-08. Review status: criteria provided, single submitter. Criteria: NYGC Assertion Criteria 2020. Collection method: clinical testing. Allele origin: germline. Observed: 1 heterozygote.

Institute of Human Genetics, University of Leipzig Medical Center
Classification: Pathogenic for Joubert syndrome 5. Last evaluated: 2021-04-08. Review status: criteria provided, single submitter. Criteria: ACMG Guidelines, 2015. Collection method: clinical testing. Allele origin: unknown. Affected: yes.
Comment: This variant was identified as compound heterozygous with NM_025114.4:c.2279_2280del.

Ocular Genomics Institute, Massachusetts Eye and Ear
Classification: Pathogenic for Leber congenital amaurosis 10. Last evaluated: 2021-04-08. Review status: criteria provided, single submitter. Criteria: ACMG Guidelines, 2015. Collection method: research. Allele origin: germline. Affected: yes.
Comment: Through a review of available evidence we were able to apply the following criteria: PM2, PP1, PVS1. Based on this evidence we have classified this variant as Pathogenic.

Institute of Human Genetics, Univ. Regensburg, Univ. Regensburg
Classification: Pathogenic for Retinal dystrophy. Last evaluated: 2021-01-01. Review status: criteria provided, single submitter. Criteria: ACMG Guidelines, 2015. Collection method: clinical testing. Allele origin: germline. Affected: yes.

Women's Health and Genetics/Laboratory Corporation of America, LabCorp
Classification: Pathogenic for Meckel syndrome, type 4. Last evaluated: 2020-12-07. Review status: criteria provided, single submitter. Criteria: LabCorp Variant Classification Summary - May 2015. Collection method: clinical testing. Allele origin: germline.
Comment: Variant summary: CEP290 c.5493delA (p.Ala1832ProfsX19) results in a premature termination codon, predicted to cause a truncation of the encoded protein or absence of the protein due to nonsense mediated decay, which are commonly known mechanisms for disease. Truncations downstream of this position have been classified as pathogenic by our laboratory. The variant allele was found at a frequency of 2.2e-05 in 223598 control chromosomes. c.5493delA has been reported in the literature in individuals affected with Joubert syndromerelated disorders, retinal dystrophy, or Leber congenital amaurosis (Brancati_2007, Carss_2017, Feldhaus_2020). These data indicate that the variant may be associated with disease. Seven clinical diagnostic laboratories have submitted clinical-significance assessments for this variant to ClinVar after 2014 without evidence for independent evaluation. All laboratories classified the variant as pathogenic. Based on the evidence outlined above, the variant was classified as pathogenic.

Institute of Medical Genetics and Applied Genomics, University Hospital Tübingen
Classification: Pathogenic. Last evaluated: 2020-10-23. Review status: criteria provided, single submitter. Criteria: ACMG Guidelines, 2015. Collection method: clinical testing. Allele origin: germline. Inheritance: Autosomal recessive inheritance. Affected: yes.

Centre for Mendelian Genomics, University Medical Centre Ljubljana
Classification: Pathogenic for Joubert syndrome 5. Last evaluated: 2019-07-09. Review status: criteria provided, single submitter. Criteria: ACMG Guidelines, 2015. Collection method: clinical testing. Allele origin: unknown. Affected: yes.
Comment: This variant was classified as: Pathogenic. The following ACMG criteria were applied in classifying this variant: PVS1,PM2,PP4,PP5.